The following is an entry in ClinVar:

ClinVar aggregate classification (germline): Pathogenic (1 of 4 stars; one submission).

Conditions:
Charcot-Marie-Tooth disease type 4. Also called: Charcot-Marie-Tooth disease, type IV; Charcot-Marie-Tooth, Type 4. Identifiers: Orphanet 64749, MedGen C4082197, MONDO:0018995.

Allele frequency attached by ClinVar (database versions not stated): TOPMed below 0.00001; gnomAD 0.00001.

Submission:

Labcorp Genetics (formerly Invitae), Labcorp
Classification: Pathogenic for Charcot-Marie-Tooth disease type 4. Last evaluated: 2022-07-18. Review status: criteria provided, single submitter. Criteria: Invitae Variant Classification Sherloc (09022015). Collection method: clinical testing. Allele origin: germline.
Comment: This sequence change creates a premature translational stop signal (p.Asn149Metfs*7) in the SBF2 gene. It is expected to result in an absent or disrupted protein product. Loss-of-function variants in SBF2 are known to be pathogenic (PMID: 12687498, 25873783). For these reasons, this variant has been classified as Pathogenic. ClinVar contains an entry for this variant (Variation ID: 1453531). This variant has not been reported in the literature in individuals affected with SBF2-related conditions. This variant is not present in population databases (gnomAD no frequency).

Literature cited by the submitters: PubMed 12687498; PubMed 25873783.

NM_030962.4(SBF2):c.444del (p.Asn149fs)

Gene: SBF2 (SET binding factor 2; minus strand). Cytogenetic location: 11p15.4.
Variant type: Deletion.
Coding change: c.444del on transcript NM_030962.4 (MANE Select); coding-DNA position 444, one base deleted (G; older notation c.444delG).
Protein change: p.Asn149fs; shifts the reading frame from asparagine 149.
Molecular consequence: frameshift variant.
Genome position (GRCh38, 1-based): chr11:10,029,834, C deleted on the plus strand (G on the coding strand, the reverse complement: SBF2 is on the minus strand). VCF-style (leftmost placement, unchanged base first): chr11-10029833-TC-T. GRCh37 (hg19) VCF-style: chr11-10051380-TC-T.
Other names: c.444del, p.Asn149fs (NM_001386339.1, NM_001386342.1); short protein forms N149fs.
Identifiers: ClinVar variation 1453531 (VCV001453531.6), dbSNP rs1295003959, ClinGen allele CA670633689.
Genomic context (GRCh38, chr11:10,029,833, plus strand): 5'-CTCCAGCCGCTGGGACAAGGCAGGCACAAAGGTTTGCAATTAGACTTTCCAAGGAGACAT[TC>T]AGGCTGTCCACATACACGGTATAGATCAAACCCAGGCAAGCCTGCAAAAAGATAAATACA-3'